The following is an entry in ClinVar:

NM_000465.4(BARD1):c.170del (p.Leu57fs)

Gene: BARD1 (BRCA1 associated RING domain 1; minus strand). Cytogenetic location: 2q35.
Variant type: Deletion.
Coding change: c.170del on transcript NM_000465.4 (MANE Select); coding-DNA position 170, one base deleted (T; older notation c.170delT).
Protein change: p.Leu57fs; shifts the reading frame from leucine 57.
Molecular consequence: frameshift variant. On other transcripts: non-coding transcript variant (2), intron variant (2).
Genome position (GRCh38, 1-based): chr2:214,797,106, A deleted on the plus strand (T on the coding strand, the reverse complement: BARD1 is on the minus strand). VCF-style (leftmost placement, unchanged base first): chr2-214797105-CA-C. GRCh37 (hg19) VCF-style: chr2-215661829-CA-C.
Other names: c.170del, p.Leu57fs (NM_001282545.2, NM_001282549.2); c.158+12306del (NM_001282548.2); c.159-4661del (NM_001282543.2); short protein forms L57fs.
Identifiers: ClinVar variation 5006205 (VCV005006205.2).

ClinVar aggregate classification (germline): Likely pathogenic (1 of 4 stars; one submission).

Conditions:
Familial cancer of breast. Also called: BREAST CANCER, FAMILIAL; hereditary breast carcinoma; Hereditary breast cancer. Identifiers: Orphanet 227535, MedGen C0346153, MONDO:0016419, OMIM 114480. Disease mechanism: loss of function.

Submission:

Juno Genomics, Hangzhou Juno Genomics, Inc
Classification: Likely pathogenic for Familial cancer of breast. Review status: criteria provided, single submitter. Criteria: ACMG Guidelines, 2015. Collection method: clinical testing. Allele origin: germline.
Comment: Null variant in a gene where loss of function (LOF) is a known mechanism of disease.;Absent from controls (or at extremely low frequency if recessive) in Genome Aggregation Database.